The following is an entry in ClinVar:

ClinVar aggregate classification (germline): Uncertain significance (1 of 4 stars; one submission).

Conditions:
Klippel-Feil syndrome 1, autosomal dominant (KFS1). Also called: CERVICAL VERTEBRAL FUSION, AUTOSOMAL DOMINANT. Identifiers: Orphanet 2345, MedGen C1861689, MONDO:0007306, OMIM 118100.
Isolated microphthalmia 4. Identifiers: Orphanet 2542, MedGen C2751307, MONDO:0013130, OMIM 613094.
Microphthalmia, isolated, with coloboma 6 (MCOPCB6). Also called: Microphthalmia with coloboma 6, digenic; Microphthalmia with coloboma 6; MICROPHTHALMIA/COLOBOMA 6. Identifiers: Orphanet 98938, MedGen C3150968, MONDO:0013376, OMIM 613703.
Leber congenital amaurosis 17 (LCA17). Identifiers: Orphanet 65, MedGen C3715164, MONDO:0014145, OMIM 615360.

gnomAD v4.1: 5 of 1,614,070 alleles (0.00031%); highest among the groups gnomAD compares: Admixed American, 0.0017%; no homozygotes.

Submission:

Labcorp Genetics (formerly Invitae), Labcorp
Classification: Uncertain significance for Isolated microphthalmia 4; Leber congenital amaurosis 17; Klippel-Feil syndrome 1, autosomal dominant; Microphthalmia, isolated, with coloboma 6. Last evaluated: 2025-03-10. Review status: criteria provided, single submitter. Criteria: Invitae Variant Classification Sherloc (09022015). Collection method: clinical testing. Allele origin: germline.
Comment: This sequence change replaces alanine, which is neutral and non-polar, with valine, which is neutral and non-polar, at codon 115 of the GDF6 protein (p.Ala115Val). This variant is present in population databases (no rsID available, gnomAD 0.003%). This variant has not been reported in the literature in individuals affected with GDF6-related conditions. An algorithm developed to predict the effect of missense changes on protein structure and function (PolyPhen-2) suggests that this variant is likely to be disruptive. In summary, the available evidence is currently insufficient to determine the role of this variant in disease. Therefore, it has been classified as a Variant of Uncertain Significance.

NM_001001557.4(GDF6):c.344C>T (p.Ala115Val)

Gene: GDF6 (growth differentiation factor 6; minus strand). Cytogenetic location: 8q22.1.
Variant type: single nucleotide variant.
Coding change: c.344C>T on transcript NM_001001557.4 (MANE Select); coding-DNA position 344, C replaced by T.
Protein change: p.Ala115Val; replaces alanine 115 with valine.
Molecular consequence: missense variant.
Genome position (GRCh38, 1-based): chr8:96,160,349, G>A on the plus strand (C>T on the coding strand, the complement: GDF6 is on the minus strand). VCF-style: chr8-96160349-G-A. GRCh37 (hg19) VCF-style: chr8-97172577-G-A.
Other names: short protein forms A115V.
Identifiers: ClinVar variation 4788563 (VCV004788563.1).
Genomic context (GRCh38, chr8:96,160,349, plus strand): 5'-AGTCCCCTGTCTACAAAGCTGGTGATCGTATTAGCCGACTTGGAAGACTGGAAAAAGCTG[G>A]CATTGATGCCCAGCTTCTCAGCGATGGAGTAAGTCCTGTAGATTGACAGCATGTACTCGT-3'
Protein context (NP_001001557.1, residues 105-125): YSIAEKLGIN[Ala115Val]SFFQSSKSAN